The following is an entry in ClinVar:

NM_004385.5(VCAN):c.6767T>C (p.Leu2256Pro)

Genes: VCAN (versican; plus strand), VCAN-AS1 (VCAN antisense RNA 1; minus strand). Cytogenetic location: 5q14.3.
Variant type: single nucleotide variant.
Coding change: c.6767T>C on transcript NM_004385.5 (MANE Select); coding-DNA position 6767, T replaced by C.
Protein change: p.Leu2256Pro; replaces leucine 2256 with proline.
Molecular consequence: missense variant. On other transcripts: intron variant (2).
Genome position (GRCh38, 1-based): chr5:83,539,770, T>C. VCF-style: chr5-83539770-T-C. GRCh37 (hg19) VCF-style: chr5-82835589-T-C.
Other names: c.3806T>C, p.Leu1269Pro (NM_001164097.2); c.4004-5767T>C (NM_001164098.2); c.1043-5767T>C (NM_001126336.3); short protein forms L2256P, L1269P.
Identifiers: ClinVar variation 198796 (VCV000198796.48), dbSNP rs146630369, ClinGen allele CA247631.

ClinVar aggregate classification (germline): Conflicting classifications of pathogenicity. Review status: criteria provided, conflicting classifications (1 of 4 stars). 7 submissions from 7 submitters: Uncertain significance (2); Benign (2); Likely benign (3). Last evaluated 2026-02-02.

Conditions:
VCAN-related disorder. Also called: VCAN-related condition.
Vitreoretinopathy. Also called: Vitreoretinal degeneration. Identifiers: MedGen C0344290, MONDO:0020248, HP:0007773.

Allele frequency attached by ClinVar (database versions not stated): gnomAD 0.00072; gnomAD exomes 0.00074 and 0.00135; TOPMed 0.00076; ExAC 0.00082; ESP Exome Variant Server 0.00138.
gnomAD v4.1: 2,043 of 1,614,044 alleles (0.13%); highest among the groups gnomAD compares: Non-Finnish European, 0.16%; no homozygotes.

Submissions (7):

Labcorp Genetics (formerly Invitae), Labcorp
Classification: Likely benign. Last evaluated: 2026-02-02. Review status: criteria provided, single submitter. Criteria: Invitae Variant Classification Sherloc (09022015). Collection method: clinical testing. Allele origin: germline.

GeneDx
Classification: Uncertain significance. Last evaluated: 2025-03-17. Review status: criteria provided, single submitter. Criteria: GeneDx Variant Classification Process June 2021. Collection method: clinical testing. Allele origin: germline. Affected: yes.
Comment: In silico analysis indicates that this missense variant does not alter protein structure/function; Has not been previously published as pathogenic or benign to our knowledge

PreventionGenetics, part of Exact Sciences
Classification: Likely benign for VCAN-related condition. Last evaluated: 2024-12-18. Review status: criteria provided, single submitter. Criteria: ACMG Guidelines, 2015. Collection method: clinical testing. Allele origin: germline.
Comment: This variant is classified as likely benign based on ACMG/AMP sequence variant interpretation guidelines (Richards et al. 2015 PMID: 25741868, with internal and published modifications).

Blueprint Genetics
Classification: Likely benign. Last evaluated: 2024-11-15. Review status: criteria provided, single submitter. Criteria: ACMG Guidelines, 2015. Collection method: clinical testing. Allele origin: germline.

CeGaT Center for Human Genetics Tuebingen
Classification: Benign. Last evaluated: 2022-03-01. Review status: criteria provided, single submitter. Criteria: CeGaT Center For Human Genetics Tuebingen Variant Classification Criteria Version 2. Collection method: clinical testing. Allele origin: germline. Affected: yes. Observed: 1 variant allele.
Comment: VCAN: BS1, BS2

Illumina Laboratory Services, Illumina
Classification: Benign for Vitreoretinopathy. Last evaluated: 2018-01-13. Review status: criteria provided, single submitter. Criteria: ICSL Variant Classification Criteria 13 December 2019. Collection method: clinical testing. Allele origin: germline.
Comment: This variant was observed in the ICSL laboratory as part of a predisposition screen in an ostensibly healthy population. It had not been previously curated by ICSL or reported in the Human Gene Mutation Database (HGMD: prior to June 1st, 2018), and was therefore a candidate for classification through an automated scoring system. Utilizing variant allele frequency, disease prevalence and penetrance estimates, and inheritance mode, an automated score was calculated to assess if this variant is too frequent to cause the disease. Based on the score and internal cut-off values, a variant classified as benign is not then subjected to further curation. The score for this variant resulted in a classification of benign for this disease.

Eurofins Ntd Llc (ga)
Classification: Uncertain significance. Last evaluated: 2014-11-07. Review status: criteria provided, single submitter. Criteria: EGL Classification Definitions 2015. Collection method: clinical testing. Allele origin: germline. Observed: 3 variant alleles, 3 heterozygotes.